The following is an entry in ClinVar:

ClinVar aggregate classification (germline): Uncertain significance (1 of 4 stars; one submission).

Allele frequency attached by ClinVar (database versions not stated): gnomAD exomes 0.00001.
gnomAD v4.1: 3 of 1,613,974 alleles (0.00019%); highest among the groups gnomAD compares: Non-Finnish European, 0.00025%; no homozygotes.

Submission:

Labcorp Genetics (formerly Invitae), Labcorp
Classification: Uncertain significance. Last evaluated: 2021-12-30. Review status: criteria provided, single submitter. Criteria: Invitae Variant Classification Sherloc (09022015). Collection method: clinical testing. Allele origin: germline.
Comment: In summary, the available evidence is currently insufficient to determine the role of this variant in disease. Therefore, it has been classified as a Variant of Uncertain Significance. Algorithms developed to predict the effect of missense changes on protein structure and function are either unavailable or do not agree on the potential impact of this missense change (SIFT: "Tolerated"; PolyPhen-2: "Not Available"; Align-GVGD: "Class C0"). This variant has not been reported in the literature in individuals affected with ASXL2-related conditions. This variant is present in population databases (rs768871277, gnomAD 0.0009%). This sequence change replaces glutamine, which is neutral and polar, with histidine, which is basic and polar, at codon 1349 of the ASXL2 protein (p.Gln1349His).

NM_018263.6(ASXL2):c.4047G>C (p.Gln1349His)

Gene: ASXL2 (ASXL transcriptional regulator 2; minus strand). Cytogenetic location: 2p23.3.
Variant type: single nucleotide variant.
Coding change: c.4047G>C on transcript NM_018263.6 (MANE Select); coding-DNA position 4047, G replaced by C.
Protein change: p.Gln1349His; replaces glutamine 1349 with histidine.
Molecular consequence: missense variant.
Genome position (GRCh38, 1-based): chr2:25,742,290, C>G on the plus strand (G>C on the coding strand, the complement: ASXL2 is on the minus strand). VCF-style: chr2-25742290-C-G. GRCh37 (hg19) VCF-style: chr2-25965159-C-G.
Other names: c.3873G>C, p.Gln1291His (NM_001369346.1); c.3267G>C, p.Gln1089His (NM_001369347.1); short protein forms Q1089H, Q1349H, Q1291H.
Identifiers: ClinVar variation 2066896 (VCV002066896.4), dbSNP rs768871277, ClinGen allele CA1557373.